The following is an entry in ClinVar:

ClinVar aggregate classification (germline): Pathogenic. Review status: criteria provided, single submitter (1 of 4 stars). 3 submissions from 3 submitters: Pathogenic (1). 2 of the submissions do not count toward it. Last evaluated 2019-02-01.

Conditions:
Usher syndrome type 1G. Also called: USHER SYNDROME, TYPE IG, MILD. Identifiers: Orphanet 231169, Orphanet 886, MedGen C1847089, MONDO:0011748, OMIM 606943.
Deafness. Identifiers: MedGen C0011053.
Hearing loss, autosomal recessive. Also called: Deafness, autosomal recessive; Rare autosomal recessive non-syndromic sensorineural deafness type DFNB; Nonsyndromic Hearing Loss, Recessive; Autosomal recessive nonsyndromic deafness. Identifiers: Orphanet 90635, Orphanet 90636, MedGen C1846647, MONDO:0019588, OMIM 607197.

Allele frequency attached by ClinVar (database versions not stated): gnomAD 0.00001; ExAC 0.00002; 1000 Genomes Project 0.00020; 1000 Genomes Project 30x 0.00031.
gnomAD v4.1: 6 of 1,608,888 alleles (0.00037%); highest among the groups gnomAD compares: East Asian, 0.0022%; no homozygotes.

Submissions (3):

Centre for Genomic Medicine, Manchester, Central Manchester University Hospitals
Classification: Pathogenic for Usher syndrome type 1G. Last evaluated: 2019-02-01. Review status: criteria provided, single submitter. Criteria: ACMG Guidelines, 2015. Collection method: clinical testing. Allele origin: germline. Affected: yes. Observed: 1 variant allele, 1 homozygote.

Center for Statistical Genetics, Columbia University
Classification: Pathogenic for Deafness. Last evaluated: 2018-09-10. Review status: no assertion criteria provided. Collection method: research. Allele origin: inherited. Affected: yes. Not counted in ClinVar's aggregate classification.
Comment: Autosomal recessive

University of Washington Center for Mendelian Genomics, University of Washington
Classification: Likely pathogenic for non-syndromic autosomal recessive hearing loss. Review status: no assertion criteria provided. Collection method: research. Allele origin: inherited. Affected: yes. Not counted in ClinVar's aggregate classification.

Literature cited by the submitters: PubMed 30303587 (cited by University of Washington Center for Mendelian Genomics, University of Washington).

NM_173477.5(USH1G):c.511G>T (p.Glu171Ter)

Gene: USH1G (USH1 protein network component sans; minus strand). Cytogenetic location: 17q25.1.
Variant type: single nucleotide variant.
Coding change: c.511G>T on transcript NM_173477.5 (MANE Select); coding-DNA position 511, G replaced by T.
Protein change: p.Glu171Ter; replaces glutamic acid 171 with a stop codon.
Molecular consequence: nonsense.
Genome position (GRCh38, 1-based): chr17:74,920,325, C>A on the plus strand (G>T on the coding strand, the complement: USH1G is on the minus strand). VCF-style: chr17-74920325-C-A. GRCh37 (hg19) VCF-style: chr17-72916420-C-A.
Other names: c.202G>T, p.Glu68Ter (NM_001282489.3); short protein forms E171*, E68*.
Identifiers: ClinVar variation 560918 (VCV000560918.4), dbSNP rs201866631, ClinGen allele CA8754056.